The following is an entry in ClinVar:

NM_001854.4(COL11A1):c.990+8G>A

Gene: COL11A1 (collagen type XI alpha 1 chain; minus strand). Cytogenetic location: 1p21.1.
Variant type: single nucleotide variant.
Coding change: c.990+8G>A on transcript NM_001854.4 (MANE Select); 8 bases into the intron after coding-DNA position 990, G replaced by A.
Molecular consequence: intron variant.
Genome position (GRCh38, 1-based): chr1:103,025,513, C>T on the plus strand (G>A on the coding strand, the complement: COL11A1 is on the minus strand). VCF-style: chr1-103025513-C-T. GRCh37 (hg19) VCF-style: chr1-103491069-C-T.
Other names: c.990+8G>A (NM_001854.3); c.873+8G>A (NM_001190709.2); c.1026+8G>A (NM_080629.3); c.897+703G>A (NM_080630.4).
Identifiers: ClinVar variation 1210009 (VCV001210009.12), dbSNP rs756299328, ClinGen allele CA975173.

ClinVar aggregate classification (germline): Likely benign. Review status: criteria provided, single submitter (1 of 4 stars). 4 submissions from 4 submitters: Likely benign (1). 3 of the submissions do not count toward it. Last evaluated 2025-10-01.

Conditions:
COL11A1-related disorder. Also called: COL11A1-related condition; COL11A1-related disorders.

Allele frequency attached by ClinVar (database versions not stated): ExAC 0.00001; gnomAD 0.00001; gnomAD exomes 0.00002; TOPMed 0.00003.
gnomAD v4.1: 29 of 1,574,610 alleles (0.0018%); highest among the groups gnomAD compares: East Asian, 0.0045%; no homozygotes.

Submissions (4):

Labcorp Genetics (formerly Invitae), Labcorp
Classification: Likely benign. Last evaluated: 2025-10-01. Review status: criteria provided, single submitter. Criteria: Invitae Variant Classification Sherloc (09022015). Collection method: clinical testing. Allele origin: germline.

PreventionGenetics, part of Exact Sciences
Classification: Likely benign for COL11A1-related condition. Last evaluated: 2019-02-19. Review status: no assertion criteria provided. Collection method: clinical testing. Allele origin: germline. Not counted in ClinVar's aggregate classification.
Comment: This variant is classified as likely benign based on ACMG/AMP sequence variant interpretation guidelines (Richards et al. 2015 PMID: 25741868, with internal and published modifications).

Clinical Genetics DNA and cytogenetics Diagnostics Lab, Erasmus MC, Erasmus Medical Center
Classification: Likely benign. Review status: no assertion criteria provided. Collection method: clinical testing. Allele origin: germline. Affected: yes. Study: VKGL Data-share Consensus. Not counted in ClinVar's aggregate classification.

Genome Diagnostics Laboratory, Amsterdam University Medical Center
Classification: Benign. Review status: no assertion criteria provided. Collection method: clinical testing. Allele origin: germline. Affected: yes. Study: VKGL Data-share Consensus. Not counted in ClinVar's aggregate classification.